The following is an entry in ClinVar:

ClinVar aggregate classification (germline): Uncertain significance (1 of 4 stars; one submission).

Conditions:
Hereditary cancer-predisposing syndrome. Also called: Neoplastic Syndromes, Hereditary; Tumor predisposition; Hereditary Cancer Syndrome; Hereditary neoplastic syndrome. Identifiers: Orphanet 140162, MedGen C0027672, MeSH D009386, MONDO:0015356.

Allele frequency attached by ClinVar (database versions not stated): TOPMed below 0.00001.

Submission:

Ambry Genetics
Classification: Uncertain significance for Hereditary cancer-predisposing syndrome. Last evaluated: 2024-05-06. Review status: criteria provided, single submitter. Criteria: Ambry Variant Classification Scheme 2023. Collection method: clinical testing. Allele origin: germline.
Comment: The p.Q557R variant (also known as c.1670A>G), located in coding exon 14 of the FANCC gene, results from an A to G substitution at nucleotide position 1670. The glutamine at codon 557 is replaced by arginine, an amino acid with highly similar properties. This amino acid position is poorly conserved in available vertebrate species. In addition, this alteration is predicted to be tolerated by in silico analysis. Since supporting evidence is limited at this time, the clinical significance of this alteration remains unclear.

NM_000136.3(FANCC):c.1670A>G (p.Gln557Arg)

Genes: FANCC (FA complementation group C; minus strand), AOPEP (aminopeptidase O (putative); plus strand). Cytogenetic location: 9q22.32.
Variant type: single nucleotide variant.
Coding change: c.1670A>G on transcript NM_000136.3 (MANE Select); coding-DNA position 1670, A replaced by G.
Protein change: p.Gln557Arg; replaces glutamine 557 with arginine.
Molecular consequence: missense variant.
Genome position (GRCh38, 1-based): chr9:95,101,714, T>C on the plus strand (A>G on the coding strand, the complement: FANCC is on the minus strand). VCF-style: chr9-95101714-T-C. GRCh37 (hg19) VCF-style: chr9-97863996-T-C.
Other names: c.1670A>G, p.Gln557Arg (NM_001243743.2); short protein forms Q557R.
Identifiers: ClinVar variation 1777673 (VCV001777673.3), dbSNP rs1351542759, ClinGen allele CA374104232.